The following is an entry in ClinVar:

NM_002282.3(KRT83):c.113G>A (p.Arg38His)

Gene: KRT83 (keratin 83; minus strand). Cytogenetic location: 12q13.13.
Variant type: single nucleotide variant.
Coding change: c.113G>A on transcript NM_002282.3 (MANE Select); coding-DNA position 113, G replaced by A.
Protein change: p.Arg38His; replaces arginine 38 with histidine.
Molecular consequence: missense variant.
Genome position (GRCh38, 1-based): chr12:52,321,223, C>T on the plus strand (G>A on the coding strand, the complement: KRT83 is on the minus strand). VCF-style: chr12-52321223-C-T. GRCh37 (hg19) VCF-style: chr12-52715007-C-T.
Other names: short protein forms R38H.
Identifiers: ClinVar variation 3623351 (VCV003623351.2).

ClinVar aggregate classification (germline): Uncertain significance (1 of 4 stars; one submission).

gnomAD v4.1: 19 of 1,613,268 alleles (0.0012%); highest among the groups gnomAD compares: South Asian, 0.015%; 1 homozygote.

Submission:

Labcorp Genetics (formerly Invitae), Labcorp
Classification: Uncertain significance. Last evaluated: 2024-06-08. Review status: criteria provided, single submitter. Criteria: Invitae Variant Classification Sherloc (09022015). Collection method: clinical testing. Allele origin: germline.
Comment: This sequence change replaces arginine, which is basic and polar, with histidine, which is basic and polar, at codon 38 of the KRT83 protein (p.Arg38His). This variant is present in population databases (no rsID available, gnomAD 0.02%). This variant has not been reported in the literature in individuals affected with KRT83-related conditions. An algorithm developed to predict the effect of missense changes on protein structure and function (PolyPhen-2) suggests that this variant is likely to be tolerated. In summary, the available evidence is currently insufficient to determine the role of this variant in disease. Therefore, it has been classified as a Variant of Uncertain Significance.